The following is an entry in ClinVar:

ClinVar aggregate classification (germline): Conflicting classifications of pathogenicity. Review status: no assertion criteria provided (0 of 4 stars). 3 submissions from 3 submitters: Likely pathogenic (2); Benign (1). Last evaluated 2019-12-05.

Conditions:
Multiple renal cysts. Identifiers: MedGen C0431718, HP:0005562.
Reduced renal corticomedullary differentiation. Identifiers: MedGen C3807131, HP:0005565.
Renal hypoplasia. Also called: Renal hypoplasia (disease). Identifiers: Orphanet 93101, MedGen C0266295, MONDO:0019637, HP:0000089.
Neurodevelopmental disorders.
DDX54-related disorder. Also called: DDX54-related condition.

Allele frequency attached by ClinVar (database versions not stated): gnomAD exomes 0.00033 and 0.00071; ExAC 0.00092; gnomAD 0.00228 and 0.00241; 1000 Genomes Project 30x 0.00234; 1000 Genomes Project 0.00240; TOPMed 0.00248; ESP Exome Variant Server 0.00300.
gnomAD v4.1: 883 of 1,613,962 alleles (0.055%); highest among the groups gnomAD compares: African/African-American, 0.74%; 5 homozygotes.

Submissions (3):

PreventionGenetics, part of Exact Sciences
Classification: Benign for DDX54-related condition. Last evaluated: 2019-12-05. Review status: no assertion criteria provided. Collection method: clinical testing. Allele origin: germline.
Comment: This variant is classified as benign based on ACMG/AMP sequence variant interpretation guidelines (Richards et al. 2015 PMID: 25741868, with internal and published modifications).

Lupski Lab, Baylor-Hopkins CMG, Baylor College of Medicine
Classification: Likely pathogenic for Reduced renal corticomedullary differentiation; Multiple renal cysts; Renal hypoplasia. Last evaluated: 2019-05-30. Review status: no assertion criteria provided. Collection method: research. Allele origin: inherited. Affected: yes.

University of Washington Center for Mendelian Genomics, University of Washington
Classification: Likely pathogenic for Neurodevelopmental disorders. Review status: no assertion criteria provided. Collection method: research. Allele origin: inherited. Affected: yes.

Literature cited by the submitters: PubMed 31256877 (cited by University of Washington Center for Mendelian Genomics, University of Washington).

NM_024072.4(DDX54):c.856G>A (p.Val286Met)

Gene: DDX54 (DEAD-box helicase 54; minus strand). Cytogenetic location: 12q24.13.
Variant type: single nucleotide variant.
Coding change: c.856G>A on transcript NM_024072.4 (MANE Select); coding-DNA position 856, G replaced by A.
Protein change: p.Val286Met; replaces valine 286 with methionine.
Molecular consequence: missense variant.
Genome position (GRCh38, 1-based): chr12:113,175,054, C>T on the plus strand (G>A on the coding strand, the complement: DDX54 is on the minus strand). VCF-style: chr12-113175054-C-T. GRCh37 (hg19) VCF-style: chr12-113612859-C-T.
Other names: c.856G>A, p.Val286Met (NM_001111322.2); short protein forms V286M.
Identifiers: ClinVar variation 691939 (VCV000691939.4), dbSNP rs148961522, ClinGen allele CA6803861.